The following is an entry in ClinVar:

NM_002599.5(PDE2A):c.1538-1G>C

Gene: PDE2A (phosphodiesterase 2A; minus strand). Cytogenetic location: 11q13.4.
Variant type: single nucleotide variant.
Coding change: c.1538-1G>C on transcript NM_002599.5 (MANE Select); the canonical splice acceptor site of the intron before coding-DNA position 1538, G replaced by C.
Molecular consequence: splice acceptor variant.
Genome position (GRCh38, 1-based): chr11:72,584,314, C>G on the plus strand (G>C on the coding strand, the complement: PDE2A is on the minus strand). VCF-style: chr11-72584314-C-G. GRCh37 (hg19) VCF-style: chr11-72295358-C-G.
Other names: c.1511-1G>C (NM_001146209.3); c.1517-1G>C (NM_001143839.4); c.1475-1G>C (NM_001243784.2).
Identifiers: ClinVar variation 4722964 (VCV004722964.1).

ClinVar aggregate classification (germline): Uncertain significance (1 of 4 stars; one submission).

Submission:

Labcorp Genetics (formerly Invitae), Labcorp
Classification: Uncertain significance. Last evaluated: 2025-08-26. Review status: criteria provided, single submitter. Criteria: Invitae Variant Classification Sherloc (09022015). Collection method: clinical testing. Allele origin: germline.
Comment: This sequence change affects an acceptor splice site in intron 18 of the PDE2A gene. It is expected to disrupt RNA splicing. Variants that disrupt the donor or acceptor splice site typically lead to a loss of protein function (PMID: 16199547), however the current clinical and genetic evidence is not sufficient to establish whether loss-of-function variants in PDE2A cause disease. This variant is not present in population databases (gnomAD no frequency). This variant has not been reported in the literature in individuals affected with PDE2A-related conditions. Algorithms developed to predict the effect of sequence changes on RNA splicing suggest that this variant may disrupt the consensus splice site. In summary, the available evidence is currently insufficient to determine the role of this variant in disease. Therefore, it has been classified as a Variant of Uncertain Significance.

Literature cited by the submitters: PubMed 16199547.